The following is an entry in ClinVar:

NM_001039141.3(TRIOBP):c.4666G>A (p.Glu1556Lys)

Gene: TRIOBP (TRIO and F-actin binding protein; plus strand). Cytogenetic location: 22q13.1.
Variant type: single nucleotide variant.
Coding change: c.4666G>A on transcript NM_001039141.3 (MANE Select); coding-DNA position 4666, G replaced by A.
Protein change: p.Glu1556Lys; replaces glutamic acid 1556 with lysine.
Molecular consequence: missense variant.
Genome position (GRCh38, 1-based): chr22:37,735,002, G>A. VCF-style: chr22-37735002-G-A. GRCh37 (hg19) VCF-style: chr22-38131009-G-A.
Other names: short protein forms E1556K.
Identifiers: ClinVar variation 178556 (VCV000178556.14), dbSNP rs376793698, ClinGen allele CA182550.

ClinVar aggregate classification (germline): Uncertain significance. Review status: criteria provided, multiple submitters, no conflicts (2 of 4 stars). 5 submissions from 5 submitters: Uncertain significance (4). 1 of the submissions does not count toward it. Last evaluated 2026-07-15.

Allele frequency attached by ClinVar (database versions not stated): 1000 Genomes Project 0.00060; ESP Exome Variant Server 0.00032; gnomAD 0.00038 and 0.00042; 1000 Genomes Project 30x 0.00062; ExAC 0.00008; TOPMed 0.00040; gnomAD exomes 0.00006 and 0.00010.
gnomAD v4.1: 150 of 1,613,176 alleles (0.0093%); highest among the groups gnomAD compares: African/African-American, 0.099%; no homozygotes.

Submissions (5):

GeneDx
Classification: Uncertain significance. Last evaluated: 2026-07-15. Review status: criteria provided, single submitter. Criteria: GeneDx Variant Classification Process June 2021. Collection method: clinical testing. Allele origin: germline.
Comment: Reported as a single variant in an individual with hearing loss in published literature who also harbored variants in other genes (PMID: 29907799); In silico analysis suggests that this missense variant does not alter protein structure/function; This variant is associated with the following publications: (PMID: 29907799)

Blueprint Genetics
Classification: Uncertain significance. Last evaluated: 2024-01-15. Review status: criteria provided, single submitter. Criteria: ACMG Guidelines, 2015. Collection method: clinical testing. Allele origin: germline.

Labcorp Genetics (formerly Invitae), Labcorp
Classification: Uncertain significance. Last evaluated: 2022-02-18. Review status: criteria provided, single submitter. Criteria: Invitae Variant Classification Sherloc (09022015). Collection method: clinical testing. Allele origin: germline.
Comment: This sequence change replaces glutamic acid, which is acidic and polar, with lysine, which is basic and polar, at codon 1556 of the TRIOBP protein (p.Glu1556Lys). This variant is present in population databases (rs376793698, gnomAD 0.09%). This variant has not been reported in the literature in individuals affected with TRIOBP-related conditions. ClinVar contains an entry for this variant (Variation ID: 178556). Algorithms developed to predict the effect of missense changes on protein structure and function are either unavailable or do not agree on the potential impact of this missense change (SIFT: "Deleterious"; PolyPhen-2: "Possibly Damaging"; Align-GVGD: "Class C0"). In summary, the available evidence is currently insufficient to determine the role of this variant in disease. Therefore, it has been classified as a Variant of Uncertain Significance.

Laboratory for Molecular Medicine, Mass General Brigham Personalized Medicine
Classification: Uncertain significance. Last evaluated: 2014-07-22. Review status: criteria provided, single submitter. Criteria: LMM Criteria. Collection method: clinical testing. Allele origin: germline. Observed: 1 variant allele.
Comment: Variant classified as Uncertain Significance - Favor Benign. The Glu1556Lys vari ant in TRIOBP has not been previously reported in individuals with hearing loss, but has been identified in 0.1% (4/4042) of African American chromosomes by the NHLBI Exome Sequencing Project. Although th e variant has been identified in the general population, its frequency is not hi gh enough to rule out pathogenicity. The glutamic acid (Glu) at position 1556 is not conserved in mammals or evolutionary distant species, raising the possibili ty that a change at this position may be tolerated. Additional computational pre diction tools suggest that the Glu1556Lys variant may not impact the protein, th ough this information is not predictive enough to rule out pathogenicity. In sum mary, while the clinical significance of the Glu1556Lys variant it is uncertain, collectively these data suggests that it is more likely to be benign.

Department of Pathology and Laboratory Medicine, Sinai Health System
Classification: Uncertain significance. Review status: no assertion criteria provided. Collection method: clinical testing. Allele origin: unknown. Affected: yes. Study: The Canadian Open Genetics Repository (COGR). Not counted in ClinVar's aggregate classification.
Comment: The TRIOBP p.Glu1556Lys variant was not identified in the literature but was identified in dbSNP (ID: rs376793698) and ClinVar (classified as uncertain significance by Laboratory for Molecular Medicine). The variant was identified in control databases in 39 of 279712 chromosomes at a frequency of 0.0001394 (Genome Aggregation Database March 6, 2019, v2.1.1). The variant was observed in the following populations: African in 20 of 24118 chromosomes (freq: 0.000829), Latino in 14 of 35332 chromosomes (freq: 0.000396) and European (non-Finnish) in 5 of 127786 chromosomes (freq: 0.000039), but was not observed in the Ashkenazi Jewish, East Asian, European (Finnish), Other, or South Asian populations. The p.Glu1556 residue is not conserved in mammals and computational analyses (PolyPhen-2, SIFT, AlignGVGD, BLOSUM, MutationTaster) do not suggest a high likelihood of impact to the protein; this information is not very predictive of pathogenicity. The variant occurs outside of the splicing consensus sequence and in silico or computational prediction software programs (SpliceSiteFinder, MaxEntScan, NNSPLICE, GeneSplicer) do not predict a difference in splicing. In summary, based on the above information the clinical significance of this variant cannot be determined with certainty at this time. This variant is classified as a variant of uncertain significance.